The following is an entry in ClinVar:

ClinVar aggregate classification (germline): Conflicting classifications of pathogenicity. Review status: criteria provided, conflicting classifications (1 of 4 stars). 2 submissions from 2 submitters: Uncertain significance (1); Likely benign (1). Last evaluated 2024-03-09.

Conditions:
Charcot-Marie-Tooth disease axonal type 2O. Also called: Charcot-Marie-Tooth disease, axonal, type 20; CHARCOT-MARIE-TOOTH NEUROPATHY, AXONAL, TYPE 2O; CHARCOT-MARIE-TOOTH DISEASE, AXONAL, AUTOSOMAL DOMINANT, TYPE 2O; Charcot-Marie-Tooth Neuropathy Type 2O. Identifiers: Orphanet 284232, MedGen C3280220, MONDO:0013644, OMIM 614228.

Submissions (2):

Labcorp Genetics (formerly Invitae), Labcorp
Classification: Likely benign for Charcot-Marie-Tooth disease axonal type 2O. Last evaluated: 2024-03-09. Review status: criteria provided, single submitter. Criteria: Invitae Variant Classification Sherloc (09022015). Collection method: clinical testing. Allele origin: germline.

GeneDx
Classification: Uncertain significance. Last evaluated: 2024-03-06. Review status: criteria provided, single submitter. Criteria: GeneDx Variant Classification Process June 2021. Collection method: clinical testing. Allele origin: germline. Affected: yes.
Comment: Not observed at significant frequency in large population cohorts (gnomAD); In silico analysis supports that this variant does not alter splicing; Has not been previously published as pathogenic or benign to our knowledge

NM_001376.5(DYNC1H1):c.11257C>T (p.Leu3753=)

Gene: DYNC1H1 (dynein cytoplasmic 1 heavy chain 1; plus strand). Cytogenetic location: 14q32.31.
Variant type: single nucleotide variant.
Coding change: c.11257C>T on transcript NM_001376.5 (MANE Select); coding-DNA position 11257, C replaced by T.
Protein change: p.Leu3753=; no amino-acid change (leucine 3753 retained).
Molecular consequence: synonymous variant.
Genome position (GRCh38, 1-based): chr14:102,039,051, C>T. VCF-style: chr14-102039051-C-T. GRCh37 (hg19) VCF-style: chr14-102505388-C-T.
Identifiers: ClinVar variation 2692739 (VCV002692739.4), dbSNP rs2503844415, ClinGen allele CA488185937.